The following is an entry in ClinVar:

ClinVar aggregate classification (germline): Likely benign. Review status: criteria provided, single submitter (1 of 4 stars). 2 submissions from 2 submitters: Likely benign (1). 1 of the submissions does not count toward it. Last evaluated 2023-09-26.

Conditions:
CYLD-related disorder. Also called: CYLD-related condition.

gnomAD v4.1: 165 of 1,613,924 alleles (0.01%); highest among the groups gnomAD compares: East Asian, 0.0089%; no homozygotes.

Submissions (2):

Blueprint Genetics
Classification: Likely benign. Last evaluated: 2023-09-26. Review status: criteria provided, single submitter. Criteria: ACMG Guidelines, 2015. Collection method: clinical testing. Allele origin: germline.

PreventionGenetics, part of Exact Sciences
Classification: Likely benign for CYLD-related condition. Last evaluated: 2024-05-21. Review status: no assertion criteria provided. Collection method: clinical testing. Allele origin: germline. Not counted in ClinVar's aggregate classification.
Comment: This variant is classified as likely benign based on ACMG/AMP sequence variant interpretation guidelines (Richards et al. 2015 PMID: 25741868, with internal and published modifications).

NM_001378743.1(CYLD):c.2390A>G (p.Tyr797Cys)

Genes: CYLD (CYLD lysine 63 deubiquitinase; plus strand), CYLD-AS2 (CYLD antisense RNA 2; minus strand). Cytogenetic location: 16q12.1.
Variant type: single nucleotide variant.
Coding change: c.2390A>G on transcript NM_001378743.1 (MANE Select); coding-DNA position 2390, A replaced by G.
Protein change: p.Tyr797Cys; replaces tyrosine 797 with cysteine.
Molecular consequence: missense variant. On other transcripts: non-coding transcript variant (1).
Genome position (GRCh38, 1-based): chr16:50,793,585, A>G. VCF-style: chr16-50793585-A-G. GRCh37 (hg19) VCF-style: chr16-50827496-A-G.
Other names: c.2381A>G, p.Tyr794Cys (NM_001042355.2, NM_001042412.3, NM_001378744.1 and 6 more transcripts); c.2351A>G, p.Tyr784Cys (NM_001378751.1, NM_001378752.1, NM_001378753.1); c.1715A>G, p.Tyr572Cys (NM_001378754.1, NM_001378755.1); c.2390A>G, p.Tyr797Cys (NM_015247.3); short protein forms Y572C, Y784C, Y794C, Y797C.
Identifiers: ClinVar variation 3350639 (VCV003350639.2).